The following is an entry in ClinVar:

ClinVar aggregate classification (germline): Likely benign. Review status: criteria provided, multiple submitters, no conflicts (2 of 4 stars). 3 submissions from 3 submitters: Likely benign (2). 1 of the submissions does not count toward it. Last evaluated 2026-01-01.

Conditions:
SPTBN4-related disorder. Also called: SPTBN4-related condition.

Allele frequency attached by ClinVar (database versions not stated): gnomAD exomes 0.00015; ExAC 0.00062; gnomAD 0.00137; TOPMed 0.00158; 1000 Genomes Project 30x 0.00187; ESP Exome Variant Server 0.00208; 1000 Genomes Project 0.00220.
gnomAD v4.1: 436 of 1,607,366 alleles (0.027%); highest among the groups gnomAD compares: African/African-American, 0.47%; 1 homozygote.

Submissions (3):

CeGaT Center for Human Genetics Tuebingen
Classification: Likely benign. Last evaluated: 2026-01-01. Review status: criteria provided, single submitter. Criteria: CeGaT Center For Human Genetics Tuebingen Variant Classification Criteria Version 2. Collection method: clinical testing. Allele origin: germline. Affected: yes. Observed: 2 variant alleles.
Comment: SPTBN4: BP4, BP7

Blueprint Genetics
Classification: Likely benign. Last evaluated: 2024-08-05. Review status: criteria provided, single submitter. Criteria: ACMG Guidelines, 2015. Collection method: clinical testing. Allele origin: germline.

PreventionGenetics, part of Exact Sciences
Classification: Likely benign for SPTBN4-related condition. Last evaluated: 2019-03-14. Review status: no assertion criteria provided. Collection method: clinical testing. Allele origin: germline. Not counted in ClinVar's aggregate classification.
Comment: This variant is classified as likely benign based on ACMG/AMP sequence variant interpretation guidelines (Richards et al. 2015 PMID: 25741868, with internal and published modifications).

NM_020971.3(SPTBN4):c.2964G>A (p.Leu988=)

Gene: SPTBN4 (spectrin beta, non-erythrocytic 4; plus strand). Cytogenetic location: 19q13.2.
Variant type: single nucleotide variant.
Coding change: c.2964G>A on transcript NM_020971.3 (MANE Select); coding-DNA position 2964, G replaced by A.
Protein change: p.Leu988=; no amino-acid change (leucine 988 retained).
Molecular consequence: synonymous variant.
Genome position (GRCh38, 1-based): chr19:40,519,461, G>A. VCF-style: chr19-40519461-G-A. GRCh37 (hg19) VCF-style: chr19-41025368-G-A.
Identifiers: ClinVar variation 3024857 (VCV003024857.22), dbSNP rs138287742, ClinGen allele CA9445960.